The following is an entry in ClinVar:

NM_001384474.1(LOXHD1):c.663C>G (p.Asp221Glu)

Gene: LOXHD1 (lipoxygenase homology PLAT domains 1; minus strand). Cytogenetic location: 18q21.1.
Variant type: single nucleotide variant.
Coding change: c.663C>G on transcript NM_001384474.1 (MANE Select); coding-DNA position 663, C replaced by G.
Protein change: p.Asp221Glu; replaces aspartic acid 221 with glutamic acid.
Molecular consequence: missense variant.
Genome position (GRCh38, 1-based): chr18:46,610,872, G>C on the plus strand (C>G on the coding strand, the complement: LOXHD1 is on the minus strand). VCF-style: chr18-46610872-G-C. GRCh37 (hg19) VCF-style: chr18-44190835-G-C.
Other names: c.663C>G, p.Asp221Glu (NM_144612.7); short protein forms D221E.
Identifiers: ClinVar variation 506013 (VCV000506013.5), dbSNP rs1304841781, ClinGen allele CA402387225.

ClinVar aggregate classification (germline): Uncertain significance. Review status: criteria provided, single submitter (1 of 4 stars). 2 submissions from 2 submitters: Uncertain significance (1). 1 of the submissions does not count toward it. Last evaluated 2017-08-17.

Conditions:
Autosomal recessive nonsyndromic hearing loss 77. Identifiers: Orphanet 90636, MedGen C2746083, MONDO:0013119, OMIM 613079.

Allele frequency attached by ClinVar (database versions not stated): gnomAD 0.00001; TOPMed 0.00001.
gnomAD v4.1: 12 of 1,551,740 alleles (0.00077%); highest among the groups gnomAD compares: Non-Finnish European, 0.001%; no homozygotes.

Submissions (2):

Laboratory for Molecular Medicine, Mass General Brigham Personalized Medicine
Classification: Uncertain significance. Last evaluated: 2017-08-17. Review status: criteria provided, single submitter. Criteria: LMM Criteria. Collection method: clinical testing. Allele origin: germline. Observed: 1 variant allele.
Comment: The p.Asp221Glu variant in LOXHD1 has not been previously reported in individual s with hearing loss, but has been identified in 1/15012 European chromosomes by the Genome Aggregation Database (gnomAD). Alt hough this variant has been seen in the general population, its frequency is not high enough to rule out a pathogenic role. Computational prediction tools and c onservation analyses suggest that this variant may impact the protein, though th is information is not predictive enough to determine pathogenicity. In summary, the clinical significance of the p.Asp221Glu variant is uncertain.

Natera, Inc.
Classification: Uncertain significance for Autosomal recessive deafness type 77. Last evaluated: 2021-01-14. Review status: no assertion criteria provided. Collection method: clinical testing. Allele origin: germline. Not counted in ClinVar's aggregate classification.